The following is an entry in ClinVar:

ClinVar aggregate classification (germline): Uncertain significance (1 of 4 stars; one submission).

Conditions:
Charcot-Marie-Tooth disease axonal type 2O. Also called: CHARCOT-MARIE-TOOTH NEUROPATHY, AXONAL, TYPE 2O; CHARCOT-MARIE-TOOTH DISEASE, AXONAL, AUTOSOMAL DOMINANT, TYPE 2O; Charcot-Marie-Tooth Neuropathy Type 2O; Charcot-Marie-Tooth disease, axonal, type 20. Identifiers: Orphanet 284232, MedGen C3280220, MONDO:0013644, OMIM 614228.

Submission:

Labcorp Genetics (formerly Invitae), Labcorp
Classification: Uncertain significance for Charcot-Marie-Tooth disease axonal type 2O. Last evaluated: 2025-06-01. Review status: criteria provided, single submitter. Criteria: Invitae Variant Classification Sherloc (09022015). Collection method: clinical testing. Allele origin: germline.
Comment: This sequence change replaces tyrosine, which is neutral and polar, with cysteine, which is neutral and slightly polar, at codon 3812 of the DYNC1H1 protein (p.Tyr3812Cys). This variant is not present in population databases (gnomAD no frequency). This variant has not been reported in the literature in individuals affected with DYNC1H1-related conditions. Invitae Evidence Modeling of protein sequence and biophysical properties (such as structural, functional, and spatial information, amino acid conservation, physicochemical variation, residue mobility, and thermodynamic stability) indicates that this missense variant is expected to disrupt DYNC1H1 protein function with a positive predictive value of 95%. In summary, the available evidence is currently insufficient to determine the role of this variant in disease. Therefore, it has been classified as a Variant of Uncertain Significance.

NM_001376.5(DYNC1H1):c.11435A>G (p.Tyr3812Cys)

Gene: DYNC1H1 (dynein cytoplasmic 1 heavy chain 1; plus strand). Cytogenetic location: 14q32.31.
Variant type: single nucleotide variant.
Coding change: c.11435A>G on transcript NM_001376.5 (MANE Select); coding-DNA position 11435, A replaced by G.
Protein change: p.Tyr3812Cys; replaces tyrosine 3812 with cysteine.
Molecular consequence: missense variant.
Genome position (GRCh38, 1-based): chr14:102,039,229, A>G. VCF-style: chr14-102039229-A-G. GRCh37 (hg19) VCF-style: chr14-102505566-A-G.
Other names: short protein forms Y3812C.
Identifiers: ClinVar variation 4798877 (VCV004798877.1).